The following is an entry in ClinVar:

ClinVar aggregate classification (germline): Likely benign. Review status: criteria provided, single submitter (1 of 4 stars). 2 submissions from 2 submitters: Likely benign (1). 1 of the submissions does not count toward it. Last evaluated 2022-07-12.

Conditions:
KIDINS220-related disorder. Also called: KIDINS220-related condition.

Allele frequency attached by ClinVar (database versions not stated): gnomAD exomes 0.00001; TOPMed 0.00002.
gnomAD v4.1: 13 of 1,613,706 alleles (0.00081%); highest among the groups gnomAD compares: Non-Finnish European, 0.0011%; no homozygotes.

Submissions (2):

Labcorp Genetics (formerly Invitae), Labcorp
Classification: Likely benign. Last evaluated: 2022-07-12. Review status: criteria provided, single submitter. Criteria: Invitae Variant Classification Sherloc (09022015). Collection method: clinical testing. Allele origin: germline.

PreventionGenetics, part of Exact Sciences
Classification: Likely benign for KIDINS220-related condition. Last evaluated: 2021-12-01. Review status: no assertion criteria provided. Collection method: clinical testing. Allele origin: germline. Not counted in ClinVar's aggregate classification.
Comment: This variant is classified as likely benign based on ACMG/AMP sequence variant interpretation guidelines (Richards et al. 2015 PMID: 25741868, with internal and published modifications).

NM_020738.4(KIDINS220):c.2721G>A (p.Arg907=)

Gene: KIDINS220 (kinase D interacting substrate 220; minus strand). Cytogenetic location: 2p25.1.
Variant type: single nucleotide variant.
Coding change: c.2721G>A on transcript NM_020738.4 (MANE Select); coding-DNA position 2721, G replaced by A.
Protein change: p.Arg907=; no amino-acid change (arginine 907 retained).
Molecular consequence: synonymous variant. On other transcripts: non-coding transcript variant (2).
Genome position (GRCh38, 1-based): chr2:8,776,875, C>T on the plus strand (G>A on the coding strand, the complement: KIDINS220 is on the minus strand). VCF-style: chr2-8776875-C-T. GRCh37 (hg19) VCF-style: chr2-8917005-C-T.
Other names: c.2724G>A, p.Arg908= (NM_001348729.2, NM_001348731.2, NM_001348734.2 and 3 more transcripts); c.2721G>A, p.Arg907= (NM_001348732.2, NM_001348735.2, NM_001348738.2 and 3 more transcripts); c.2595G>A, p.Arg865= (NM_001348736.2); c.2721G>A (NM_020738.2).
Identifiers: ClinVar variation 1613793 (VCV001613793.10), dbSNP rs1449846348, ClinGen allele CA424769762.
Genomic context (GRCh38, chr2:8,776,875, plus strand): 5'-GGTAACCAGCAGTTTTGTAAGATCAAAGGACATCTGGCGAGTGATGGTCCTCTGCATCTG[C>T]CTTCTTCGGTAAGTGTCCTGAAACAGCACGTCGTCAGTGAGAAGGAACCCACGCGTCCAG-3'
Protein context (NP_065789.1, residues 897-917): ALNRRDTYRR[Arg907=]QMQRTITRQM